The following is an entry in ClinVar:

NM_007194.4(CHEK2):c.320-2048_593-1211dup

Gene: CHEK2 (checkpoint kinase 2; minus strand). Cytogenetic location: 22q12.1.
Variant type: Duplication.
Coding change: c.320-2048_593-1211dup on transcript NM_007194.4 (MANE Select); 2048 bases into the intron before coding-DNA position 320 through 1211 bases into the intron before coding-DNA position 593, 6,720 bases duplicated.
Molecular consequence: splice acceptor variant, splice donor variant.
Genome position (GRCh38, 1-based): chr22:28,720,696-28,727,415, 6,720 bases duplicated. GRCh37 (hg19): chr22:29,116,685-29,123,404.
Other names: c.-344-2048_-71-1211dup (NM_001437942.1); c.320-2048_482+4190dup (NM_001349956.3); c.320-2048_593-1211dup (NM_145862.3); c.-458-2048_-72+822dup (NM_001257387.3); c.413-2048_686-1211dup (NM_001438295.1, NM_001438293.1); c.449-2048_722-1211dup (NM_001438294.1, NM_001005735.3).
Identifiers: ClinVar variation 1728832 (VCV001728832.2).

ClinVar aggregate classification (germline): Likely pathogenic (1 of 4 stars; one submission).

Conditions:
Hereditary cancer-predisposing syndrome. Also called: Tumor predisposition; Neoplastic Syndromes, Hereditary; Hereditary Cancer Syndrome; Hereditary neoplastic syndrome. Identifiers: Orphanet 140162, MedGen C0027672, MeSH D009386, MONDO:0015356.

Submission:

Ambry Genetics
Classification: Likely pathogenic for Hereditary cancer-predisposing syndrome. Last evaluated: 2018-03-15. Review status: criteria provided, single submitter. Criteria: Ambry Variant Classification Scheme 2023. Collection method: clinical testing. Allele origin: germline.
Comment: The EX2_3dup gross duplication spans coding exons 2 through 3 in the CHEK2 gene. Additional analysis to determine breakpoints identified that this duplication is in tandem and in frame (Ambry internal data). Structural analysis of this duplication reveals that it would act to disrupt the resulting protein's normal mode of dimerization and activation, ultimately leading to an inactive protein (Ambry internal data). Based on the majority of available evidence to date, this variant is likely to be pathogenic.